The following is an entry in ClinVar:

NM_024577.4(SH3TC2):c.591C>A (p.Cys197Ter)

Gene: SH3TC2 (SH3 domain and tetratricopeptide repeats 2; minus strand). Cytogenetic location: 5q32.
Variant type: single nucleotide variant.
Coding change: c.591C>A on transcript NM_024577.4 (MANE Select); coding-DNA position 591, C replaced by A.
Protein change: p.Cys197Ter; replaces cysteine 197 with a stop codon.
Molecular consequence: nonsense.
Genome position (GRCh38, 1-based): chr5:149,041,556, G>T on the plus strand (C>A on the coding strand, the complement: SH3TC2 is on the minus strand). VCF-style: chr5-149041556-G-T. GRCh37 (hg19) VCF-style: chr5-148421119-G-T.
Other names: short protein forms C197*.
Identifiers: ClinVar variation 2749684 (VCV002749684.3), dbSNP rs1206217022, ClinGen allele CA361674699.
Genomic context (GRCh38, chr5:149,041,556, plus strand): 5'-CAACTCGGAGCCAGCTTCTGCCATCTTCACTGAGATTAACTCATTCTTGCAAAGTGTCAA[G>T]CATTCCCCTTCCTTCTCGGCTGGTGGAGTCACGGAGCACAGGGCTCTGCAGAAGAAGTGG-3'

ClinVar aggregate classification (germline): Pathogenic (1 of 4 stars; one submission).

Conditions:
Charcot-Marie-Tooth disease type 4. Also called: Charcot-Marie-Tooth, Type 4; Charcot-Marie-Tooth disease, type IV. Identifiers: Orphanet 64749, MedGen C4082197, MONDO:0018995.

Submission:

Labcorp Genetics (formerly Invitae), Labcorp
Classification: Pathogenic for Charcot-Marie-Tooth disease type 4. Last evaluated: 2023-08-05. Review status: criteria provided, single submitter. Criteria: Invitae Variant Classification Sherloc (09022015). Collection method: clinical testing. Allele origin: germline.
Comment: This sequence change creates a premature translational stop signal (p.Cys197*) in the SH3TC2 gene. It is expected to result in an absent or disrupted protein product. Loss-of-function variants in SH3TC2 are known to be pathogenic (PMID: 20220177, 27068304). For these reasons, this variant has been classified as Pathogenic. This variant has not been reported in the literature in individuals affected with SH3TC2-related conditions. This variant is not present in population databases (gnomAD no frequency).

Literature cited by the submitters: PubMed 20220177; PubMed 27068304.